The following is an entry in ClinVar:

ClinVar aggregate classification (germline): Uncertain significance (1 of 4 stars; one submission).

Submission:

Women's Health and Genetics/Laboratory Corporation of America, LabCorp
Classification: Uncertain significance. Last evaluated: 2025-11-03. Review status: criteria provided, single submitter. Criteria: LabCorp Variant Classification Summary - May 2015. Collection method: clinical testing. Allele origin: germline.
Comment: Variant summary: POLR2A c.4724C>T (p.Pro1575Leu) results in a non-conservative amino acid change in the encoded protein sequence. Algorithms developed to predict the effect of missense changes on protein structure and function are either unavailable or do not agree on the potential impact of this missense change. The variant was absent in 205506 control chromosomes. The available data on variant occurrences in the general population are insufficient to allow any conclusion about variant significance. To our knowledge, no occurrence of c.4724C>T in individuals affected with POLR2A-related conditions and no experimental evidence demonstrating its impact on protein function have been reported. ClinVar contains an entry for this variant (Variation ID: 3336168). Based on the evidence outlined above, the variant was classified as uncertain significance.

NM_000937.5(POLR2A):c.4724C>T (p.Pro1575Leu)

Gene: POLR2A (RNA polymerase II subunit A; plus strand). Cytogenetic location: 17p13.1.
Variant type: single nucleotide variant.
Coding change: c.4724C>T on transcript NM_000937.5 (MANE Select); coding-DNA position 4724, C replaced by T.
Protein change: p.Pro1575Leu; replaces proline 1575 with leucine.
Molecular consequence: missense variant.
Genome position (GRCh38, 1-based): chr17:7,512,891, C>T. VCF-style: chr17-7512891-C-T. GRCh37 (hg19) VCF-style: chr17-7416210-C-T.
Other names: short protein forms P1575L.
Identifiers: ClinVar variation 3336168 (VCV003336168.2).